The following is an entry in ClinVar:

ClinVar aggregate classification (germline): Likely benign. Review status: criteria provided, single submitter (1 of 4 stars). 2 submissions from 2 submitters: Likely benign (1). 1 of the submissions does not count toward it. Last evaluated 2025-07-06.

Conditions:
P2RY12-related disorder. Also called: P2RY12-related condition.

Allele frequency attached by ClinVar (database versions not stated): ExAC 0.00001; gnomAD 0.00009; ESP Exome Variant Server 0.00008.
gnomAD v4.1: 34 of 1,613,998 alleles (0.0021%); highest among the groups gnomAD compares: African/African-American, 0.029%; no homozygotes.

Submissions (2):

Labcorp Genetics (formerly Invitae), Labcorp
Classification: Likely benign. Last evaluated: 2025-07-06. Review status: criteria provided, single submitter. Criteria: Invitae Variant Classification Sherloc (09022015). Collection method: clinical testing. Allele origin: germline.

PreventionGenetics, part of Exact Sciences
Classification: Likely benign for P2RY12-related condition. Last evaluated: 2019-07-01. Review status: no assertion criteria provided. Collection method: clinical testing. Allele origin: germline. Not counted in ClinVar's aggregate classification.
Comment: This variant is classified as likely benign based on ACMG/AMP sequence variant interpretation guidelines (Richards et al. 2015 PMID: 25741868, with internal and published modifications).

NM_022788.5(P2RY12):c.501G>A (p.Pro167=)

Genes: P2RY12 (purinergic receptor P2Y12; minus strand), MED12L (mediator complex subunit 12L; plus strand). Cytogenetic location: 3q25.1.
Variant type: single nucleotide variant.
Coding change: c.501G>A on transcript NM_022788.5 (MANE Select); coding-DNA position 501, G replaced by A.
Protein change: p.Pro167=; no amino-acid change (proline 167 retained).
Molecular consequence: synonymous variant. On other transcripts: intron variant (2).
Genome position (GRCh38, 1-based): chr3:151,338,345, C>T on the plus strand (G>A on the coding strand, the complement: P2RY12 is on the minus strand). VCF-style: chr3-151338345-C-T. GRCh37 (hg19) VCF-style: chr3-151056133-C-T.
Other names: c.501G>A, p.Pro167= (NM_176876.3); c.2251-11714C>T (NM_001393769.1); c.2146-11714C>T (NM_053002.6).
Identifiers: ClinVar variation 3015312 (VCV003015312.5), dbSNP rs368508157, ClinGen allele CA2667848.